The following is an entry in ClinVar:

NM_004958.4(MTOR):c.3526A>G (p.Thr1176Ala)

Gene: MTOR (mechanistic target of rapamycin kinase; minus strand). Cytogenetic location: 1p36.22.
Variant type: single nucleotide variant.
Coding change: c.3526A>G on transcript NM_004958.4 (MANE Select); coding-DNA position 3526, A replaced by G.
Protein change: p.Thr1176Ala; replaces threonine 1176 with alanine.
Molecular consequence: missense variant.
Genome position (GRCh38, 1-based): chr1:11,212,347, T>C on the plus strand (A>G on the coding strand, the complement: MTOR is on the minus strand). VCF-style: chr1-11212347-T-C. GRCh37 (hg19) VCF-style: chr1-11272404-T-C.
Other names: c.3526A>G, p.Thr1176Ala (NM_001386500.1); c.2278A>G, p.Thr760Ala (NM_001386501.1); short protein forms T1176A, T760A.
Identifiers: ClinVar variation 1972821 (VCV001972821.5), dbSNP rs748054204, ClinGen allele CA590206.

ClinVar aggregate classification (germline): Uncertain significance (1 of 4 stars; one submission).

Allele frequency attached by ClinVar (database versions not stated): ExAC 0.00006.
gnomAD v4.1: 20 of 1,614,096 alleles (0.0012%); highest among the groups gnomAD compares: South Asian, 0.016%; no homozygotes.

Submission:

Labcorp Genetics (formerly Invitae), Labcorp
Classification: Uncertain significance. Last evaluated: 2025-07-21. Review status: criteria provided, single submitter. Criteria: Invitae Variant Classification Sherloc (09022015). Collection method: clinical testing. Allele origin: germline.
Comment: This sequence change replaces threonine, which is neutral and polar, with alanine, which is neutral and non-polar, at codon 1176 of the MTOR protein (p.Thr1176Ala). This variant is present in population databases (rs748054204, gnomAD 0.03%). This variant has not been reported in the literature in individuals affected with MTOR-related conditions. ClinVar contains an entry for this variant (Variation ID: 1972821). Invitae Evidence Modeling of protein sequence and biophysical properties (such as structural, functional, and spatial information, amino acid conservation, physicochemical variation, residue mobility, and thermodynamic stability) indicates that this missense variant is not expected to disrupt MTOR protein function with a negative predictive value of 95%. In summary, the available evidence is currently insufficient to determine the role of this variant in disease. Therefore, it has been classified as a Variant of Uncertain Significance.